The following is an entry in ClinVar:

NM_001267550.2(TTN):c.86497_86498del (p.Ala28833fs)

Genes: TTN-AS1 (TTN antisense RNA 1; plus strand), TTN (titin; minus strand). Cytogenetic location: 2q31.2.
Variant type: Deletion.
Coding change: c.86497_86498del on transcript NM_001267550.2 (MANE Select); coding-DNA positions 86497 to 86498, 2 bases deleted (GC; older notation c.86497_86498delGC).
Protein change: p.Ala28833fs; shifts the reading frame from alanine 28833.
Molecular consequence: frameshift variant.
Genome position (GRCh38, 1-based): chr2:178,559,634-178,559,635, GC deleted on the plus strand (GC on the coding strand, the reverse complement: TTN is on the minus strand). VCF-style (leftmost placement, unchanged base first): chr2-178559633-AGC-A. GRCh37 (hg19) VCF-style: chr2-179424360-AGC-A.
Other names: p.A27912F:GCT>TTT; c.81574_81575del, p.Ala27192fs (NM_001256850.1); c.59302_59303del, p.Ala19768fs (NM_003319.4); c.78793_78794del, p.Ala26265fs (NM_133378.4); c.59677_59678del, p.Ala19893fs (NM_133432.3); c.59878_59879del, p.Ala19960fs (NM_133437.4); c.81574_81575delGC (NM_001256850.1); short protein forms A19893fs, A28833fs, A19960fs, A19768fs, A27192fs, A26265fs.
Identifiers: ClinVar variation 202934 (VCV000202934.1), dbSNP rs794729518, ClinGen allele CA310734.

ClinVar aggregate classification (germline): not provided (0 of 4 stars; one submission).

Submission:

GeneDx
No classification provided. Last evaluated: 2014-03-07. Review status: no classification provided. Criteria: GeneDx Variant Classification (06012015). Collection method: clinical testing. Allele origin: germline. Affected: yes.
Comment: Missense variants in the TTN gene are considered 'unclassified' if they are not previously reported in the literature and do not have >1% frequency in the population to be considered a polymorphism. Research indicates that truncating mutations in the TTN gene are expected to account for approximately 25% of familial and 18% of sporadic idiopathic DCM; however, truncating variants in the TTN gene have been reported in approximately 3% of reported control alleles. There has been little investigation into non-truncating variants. (Herman D et al. Truncations of titin causing dilated cardiomyopathy. N Eng J Med 366:619-628, 2012) The variant is found in CARDIOMYOPATHY panel(s).